The following is an entry in ClinVar:

NM_007294.4(BRCA1):c.1522C>G (p.Pro508Ala)

Gene: BRCA1 (BRCA1 DNA repair associated; minus strand). Cytogenetic location: 17q21.31.
Variant type: single nucleotide variant.
Coding change: c.1522C>G on transcript NM_007294.4 (MANE Select); coding-DNA position 1522, C replaced by G.
Protein change: p.Pro508Ala; replaces proline 508 with alanine.
Molecular consequence: missense variant. On other transcripts: intron variant (137).
Genome position (GRCh38, 1-based): chr17:43,094,009, G>C on the plus strand (C>G on the coding strand, the complement: BRCA1 is on the minus strand). VCF-style: chr17-43094009-G-C. GRCh37 (hg19) VCF-style: chr17-41246026-G-C.
Other names: c.1309C>G, p.Pro437Ala (NM_001407571.1, NM_001407853.1, NM_001407894.1 and 9 more transcripts); c.1522C>G, p.Pro508Ala (NM_001407581.1, NM_001407582.1, NM_001407583.1 and 30 more transcripts); c.1519C>G, p.Pro507Ala (NM_001407587.1, NM_001407590.1, NM_001407591.1 and 22 more transcripts); c.1513C>G, p.Pro505Ala (NM_001407646.1, NM_001407647.1); c.1399C>G, p.Pro467Ala (NM_001407648.1, NM_001407664.1, NM_001407665.1 and 19 more transcripts); c.1396C>G, p.Pro466Ala (NM_001407649.1, NM_001407670.1, NM_001407671.1 and 11 more transcripts); c.1444C>G, p.Pro482Ala (NM_001407653.1, NM_001407654.1, NM_001407655.1 and 4 more transcripts); c.1441C>G, p.Pro481Ala (NM_001407659.1, NM_001407660.1, NM_001407661.1 and 1 more transcripts); and 40 more; short protein forms P508A, P461A, P340A, P396A, P467A, P481A, P212A, P381A.
Identifiers: ClinVar variation 482916 (VCV000482916.9), dbSNP rs1555591622, ClinGen allele CA10599002.

ClinVar aggregate classification (germline): Conflicting classifications of pathogenicity. Review status: criteria provided, conflicting classifications (1 of 4 stars). 3 submissions from 3 submitters: Uncertain significance (1); Likely benign (2). Last evaluated 2024-06-20.

Conditions:
Hereditary cancer-predisposing syndrome. Also called: Neoplastic Syndromes, Hereditary; Tumor predisposition; Hereditary Cancer Syndrome; Hereditary neoplastic syndrome. Identifiers: Orphanet 140162, MedGen C0027672, MeSH D009386, MONDO:0015356.

gnomAD v4.1: 1 of 1,613,864 alleles (0.000062%); highest among the groups gnomAD compares: Non-Finnish European, 0.000085%; no homozygotes.

Submissions (3):

Color Diagnostics, LLC DBA Color Health
Classification: Uncertain significance for Hereditary cancer-predisposing syndrome. Last evaluated: 2024-06-20. Review status: criteria provided, single submitter. Criteria: ACMG Guidelines, 2015. Collection method: clinical testing. Allele origin: germline.
Comment: This missense variant replaces proline with alanine at codon 508 of the BRCA1 protein. Computational prediction is inconclusive regarding the impact of this variant on protein structure and function (internally defined REVEL score threshold 0.5 < inconclusive < 0.7, PMID: 27666373). To our knowledge, functional studies have not been reported for this variant. This variant has not been reported in individuals affected with BRCA1-related disorders in the literature. This variant has not been identified in the general population by the Genome Aggregation Database (gnomAD). The available evidence is insufficient to determine the role of this variant in disease conclusively. Therefore, this variant is classified as a Variant of Uncertain Significance.

University of Washington Department of Laboratory Medicine, University of Washington
Classification: Likely benign for Hereditary cancer-predisposing syndrome. Last evaluated: 2023-03-23. Review status: criteria provided, single submitter. Criteria: Dines et al. (Genet Med. 2020). Collection method: curation. Allele origin: germline.
Comment: Missense variant in a coldspot region where missense variants are very unlikely to be pathogenic (PMID:31911673).

BRCA1 coldspot (exon 11 using historical exon numbering). Reclassification based on statistical prior probability

Ambry Genetics
Classification: Likely benign for Hereditary cancer-predisposing syndrome. Last evaluated: 2016-07-18. Review status: criteria provided, single submitter. Criteria: Ambry Variant Classification Scheme 2023. Collection method: clinical testing. Allele origin: germline.